The following is an entry in ClinVar:

ClinVar aggregate classification (germline): Uncertain significance (1 of 4 stars; one submission).

Submission:

Women's Health and Genetics/Laboratory Corporation of America, LabCorp
Classification: Uncertain significance. Last evaluated: 2024-04-02. Review status: criteria provided, single submitter. Criteria: LabCorp Variant Classification Summary - May 2015. Collection method: clinical testing. Allele origin: germline.
Comment: Variant summary: The variant involves the deletion of exons 12-21 in the AARS1 gene. A presumed nomenclature of c.(1492+1_1493-1)_(*424_?)del has been designated for the purposes of this classification. The exact breakpoint at the distal 3' end of this variant is unknown, therefore this deletion may extend downstream of the annotated region of the gene. As it encompasses the termination codon, it is predicted to escape nonsense mediated decay (NMD). The variant was absent in 21694 control chromosomes in the gnomAD database (Structural Variants v2.1 dataset). The available data on variant occurrences in the general population are insufficient to allow any conclusion about variant significance. To our knowledge, no occurrence of c.(1492+1_1493-1)_(*424_?)del in individuals affected with Developmental And Epileptic Encephalopathy, 29 and no experimental evidence demonstrating its impact on protein function have been reported. ClinVar contains an entry for a similar variant (i.e. exon 14-21 deletion; Variation ID: 1682040). Based on the evidence outlined above, the variant was classified as uncertain significance.

NC_000016.9:g.(?_70286200)_(70296428_70298860)del

Gene: AARS1 (alanyl-tRNA synthetase 1; minus strand). Cytogenetic location: 16q22.1.
Variant type: Deletion.
Identifiers: ClinVar variation 3251592 (VCV003251592.1).